The following is an entry in ClinVar:

NM_000091.5(COL4A3):c.646G>T (p.Gly216Cys)

Genes: COL4A3 (collagen type IV alpha 3 chain; plus strand), MFF-DT (MFF divergent transcript; minus strand). Cytogenetic location: 2q36.3.
Variant type: single nucleotide variant.
Coding change: c.646G>T on transcript NM_000091.5 (MANE Select); coding-DNA position 646, G replaced by T.
Protein change: p.Gly216Cys; replaces glycine 216 with cysteine.
Molecular consequence: missense variant.
Genome position (GRCh38, 1-based): chr2:227,253,296, G>T. VCF-style: chr2-227253296-G-T. GRCh37 (hg19) VCF-style: chr2-228118012-G-T.
Other names: short protein forms G216C.
Identifiers: ClinVar variation 1497736 (VCV001497736.9), dbSNP rs1169752185, ClinGen allele CA350864769.

ClinVar aggregate classification (germline): Conflicting classifications of pathogenicity. Review status: criteria provided, conflicting classifications (1 of 4 stars). 2 submissions from 2 submitters: Likely pathogenic (1); Uncertain significance (1). Last evaluated 2024-04-04.

Conditions:
Hematuria, benign familial, 2 (BFH2). Identifiers: MedGen C5830421, MONDO:0958186, OMIM 620320.
Autosomal dominant Alport syndrome (ATS3A). Also called: ALPORT SYNDROME 3A, AUTOSOMAL DOMINANT; Alport syndrome dominant type; Renal failure and sensorineural hearing loss. Identifiers: Orphanet 63, Orphanet 88918, MedGen C5882663, MONDO:0007086, OMIM 104200.
Alport syndrome 3b, autosomal recessive. Identifiers: MedGen C5882699, MONDO:0957811, OMIM 620536.

Submissions (2):

Fulgent Genetics
Classification: Likely pathogenic for Autosomal dominant Alport syndrome; Hematuria, benign familial, 2; Alport syndrome 3b, autosomal recessive. Last evaluated: 2024-04-04. Review status: criteria provided, single submitter. Criteria: ACMG Guidelines, 2015. Collection method: clinical testing. Allele origin: germline.

Labcorp Genetics (formerly Invitae), Labcorp
Classification: Uncertain significance. Last evaluated: 2020-12-26. Review status: criteria provided, single submitter. Criteria: Invitae Variant Classification Sherloc (09022015). Collection method: clinical testing. Allele origin: germline.
Comment: This sequence change replaces glycine with cysteine at codon 216 of the COL4A3 protein (p.Gly216Cys). The glycine residue is highly conserved and there is a large physicochemical difference between glycine and cysteine. In summary, the available evidence is currently insufficient to determine the role of this variant in disease. Therefore, it has been classified as a Variant of Uncertain Significance. Algorithms developed to predict the effect of missense changes on protein structure and function are either unavailable or do not agree on the potential impact of this missense change (SIFT: "Tolerated"; PolyPhen-2: "Probably Damaging"; Align-GVGD: "Class C0"). This variant has been observed in individual(s) with clinical features of Alport syndrome (Invitae). This variant is not present in population databases (ExAC no frequency).